The following is an entry in ClinVar:

NM_007294.4(BRCA1):c.2951_2952del (p.Phe984fs)

Gene: BRCA1 (BRCA1 DNA repair associated; minus strand). Cytogenetic location: 17q21.31.
Variant type: Deletion.
Coding change: c.2951_2952del on transcript NM_007294.4 (MANE Select); coding-DNA positions 2951 to 2952, 2 bases deleted (TT; older notation c.2951_2952delTT).
Protein change: p.Phe984fs; shifts the reading frame from phenylalanine 984.
Molecular consequence: frameshift variant. On other transcripts: intron variant (137).
Genome position (GRCh38, 1-based): chr17:43,092,579-43,092,580, AA deleted on the plus strand (TT on the coding strand, the reverse complement: BRCA1 is on the minus strand); deleting any 2 consecutive bases within chr17:43,092,579-43,092,583 gives the same sequence; the c. name uses the placement nearest the transcript's 3' end. VCF-style (leftmost placement, unchanged base first): chr17-43092578-GAA-G. GRCh37 (hg19) VCF-style: chr17-41244595-GAA-G.
Other names: 3070del2; c.2951_2952delTT (NM_007294.3); c.644-1548_644-1547del (NM_001408468.1, NM_001408465.1, NM_001408463.1 and 3 more transcripts); c.524-1548_524-1547del (NM_001408501.1, NM_001408500.1, NM_001408497.1 and 3 more transcripts); c.647-1548_647-1547del (NM_001408455.1, NM_001408466.1, NM_001408452.1 and 11 more transcripts); c.578-1548_578-1547del (NM_001408513.1, NM_001408489.1, NM_001408479.1 and 9 more transcripts); c.521-1548_521-1547del (NM_001408503.1, NM_001408505.1, NM_001408504.1); c.788-1548_788-1547del (NM_001407973.1, NM_001408403.1, NM_001407983.1 and 17 more transcripts); and 44 more; short protein forms F937fs, F984fs, F688fs, F816fs, F873fs, F895fs, F914fs, F958fs.
Identifiers: ClinVar variation 266321 (VCV000266321.8), dbSNP rs80357627, ClinGen allele CA10589795.

ClinVar aggregate classification (germline): Pathogenic. Review status: reviewed by expert panel (3 of 4 stars). 3 submissions from 3 submitters: Pathogenic (1). 2 of the submissions do not count toward it. Last evaluated 2016-10-18.

Conditions:
Hereditary cancer-predisposing syndrome. Also called: Hereditary Cancer Syndrome; Neoplastic Syndromes, Hereditary; Hereditary neoplastic syndrome; Tumor predisposition. Identifiers: Orphanet 140162, MedGen C0027672, MeSH D009386, MONDO:0015356.
Breast-ovarian cancer, familial, susceptibility to, 1 (BROVCA1). Also called: BRCA1 Hereditary Breast and Ovarian Cancer; OVARIAN CANCER, SUSCEPTIBILITY TO. Identifiers: Orphanet 145, MedGen C2676676, MONDO:0011450, OMIM 604370. Disease mechanism: loss of function.

Submissions (3):

Evidence-based Network for the Interpretation of Germline Mutant Alleles (ENIGMA)
Classification: Pathogenic for Breast-ovarian cancer, familial, susceptibility to, 1. Last evaluated: 2016-10-18. Review status: reviewed by expert panel. Criteria: ENIGMA BRCA1/2 Classification Criteria (2015). Collection method: curation. Allele origin: germline.
Comment: Variant allele predicted to encode a truncated non-functional protein.

Ambry Genetics
Classification: Pathogenic for Hereditary cancer-predisposing syndrome. Last evaluated: 2024-02-12. Review status: criteria provided, single submitter. Criteria: Ambry Variant Classification Scheme 2023. Collection method: clinical testing. Allele origin: germline. Not counted in ClinVar's aggregate classification.
Comment: The c.2951_2952delTT pathogenic mutation, located in coding exon 9 of the BRCA1 gene, results from a deletion of two nucleotides at nucleotide positions 2951 to 2952, causing a translational frameshift with a predicted alternate stop codon (p.F984Sfs*7). This variant is considered to be rare based on population cohorts in the Genome Aggregation Database (gnomAD). This alteration is expected to result in loss of function by premature protein truncation or nonsense-mediated mRNA decay. As such, this alteration is interpreted as a disease-causing mutation.

Consortium of Investigators of Modifiers of BRCA1/2 (CIMBA), c/o University of Cambridge
Classification: Pathogenic for Breast-ovarian cancer, familial, susceptibility to, 1. Last evaluated: 2015-10-02. Review status: criteria provided, single submitter. Criteria: CIMBA Mutation Classification guidelines May 2016. Collection method: clinical testing. Allele origin: germline. Not counted in ClinVar's aggregate classification.